The following is an entry in ClinVar:

ClinVar aggregate classification (germline): Uncertain significance (1 of 4 stars; one submission).

Submission:

GeneDx
Classification: Uncertain significance. Last evaluated: 2019-10-28. Review status: criteria provided, single submitter. Criteria: GeneDx Variant Classification Process June 2021. Collection method: clinical testing. Allele origin: germline. Affected: yes.
Comment: Not observed in large population cohorts (Lek 2016); In silico analysis, which includes protein predictors and evolutionary conservation, supports that this variant does not alter protein structure/function; Has not been previously published as pathogenic or benign to our knowledge

NM_004655.4(AXIN2):c.1471G>C (p.Ala491Pro)

Gene: AXIN2 (axin 2; minus strand). Cytogenetic location: 17q24.1.
Variant type: single nucleotide variant.
Coding change: c.1471G>C on transcript NM_004655.4 (MANE Select); coding-DNA position 1471, G replaced by C.
Protein change: p.Ala491Pro; replaces alanine 491 with proline.
Molecular consequence: missense variant.
Genome position (GRCh38, 1-based): chr17:65,537,565, C>G on the plus strand (G>C on the coding strand, the complement: AXIN2 is on the minus strand). VCF-style: chr17-65537565-C-G. GRCh37 (hg19) VCF-style: chr17-63533683-C-G.
Other names: c.1471G>C, p.Ala491Pro (NM_001363813.1); short protein forms A491P.
Identifiers: ClinVar variation 1309817 (VCV001309817.2), dbSNP rs761303245, ClinGen allele CA400677435.